The following is an entry in ClinVar:

NM_024747.6(HPS6):c.448_505dup (p.Glu169fs)

Gene: HPS6 (HPS6 biogenesis of lysosomal organelles complex 2 subunit 3; plus strand). Cytogenetic location: 10q24.32.
Variant type: Duplication.
Coding change: c.448_505dup on transcript NM_024747.6 (MANE Select); coding-DNA positions 448 to 505, 58 bases duplicated.
Protein change: p.Glu169fs; shifts the reading frame from glutamic acid 169.
Molecular consequence: frameshift variant.
Genome position (GRCh38, 1-based): chr10:102,065,922-102,065,979, 58 bases duplicated. GRCh37 (hg19): chr10:103,825,679-103,825,736.
Other names: short protein forms E169fs.
Identifiers: ClinVar variation 2878412 (VCV002878412.3), dbSNP rs2540986669, ClinGen allele CA2739275946.

ClinVar aggregate classification (germline): Pathogenic (1 of 4 stars; one submission).

Submission:

Labcorp Genetics (formerly Invitae), Labcorp
Classification: Pathogenic. Last evaluated: 2023-05-05. Review status: criteria provided, single submitter. Criteria: Invitae Variant Classification Sherloc (09022015). Collection method: clinical testing. Allele origin: germline.
Comment: For these reasons, this variant has been classified as Pathogenic. This variant disrupts a region of the HPS6 protein in which other variant(s) (p.Leu356Alafs*11) have been determined to be pathogenic (PMID: 17041891). This suggests that this is a clinically significant region of the protein, and that variants that disrupt it are likely to be disease-causing. This variant has not been reported in the literature in individuals affected with HPS6-related conditions. This variant is not present in population databases (gnomAD no frequency). This sequence change creates a premature translational stop signal (p.Glu169Glyfs*26) in the HPS6 gene. While this is not anticipated to result in nonsense mediated decay, it is expected to disrupt the last 607 amino acid(s) of the HPS6 protein.

Literature cited by the submitters: PubMed 17041891.